The following is an entry in ClinVar:

ClinVar aggregate classification (germline): Uncertain significance (1 of 4 stars; one submission).

Conditions:
Alstrom syndrome (ALMS). Identifiers: Orphanet 64, MedGen C0268425, MONDO:0008763, OMIM 203800.

Allele frequency attached by ClinVar (database versions not stated): gnomAD exomes below 0.00001; TOPMed below 0.00001.
gnomAD v4.1: 2 of 1,614,134 alleles (0.00012%); highest among the groups gnomAD compares: South Asian, 0.0011%; no homozygotes.

Submission:

Labcorp Genetics (formerly Invitae), Labcorp
Classification: Uncertain significance for Alstrom syndrome. Last evaluated: 2024-11-11. Review status: criteria provided, single submitter. Criteria: Invitae Variant Classification Sherloc (09022015). Collection method: clinical testing. Allele origin: germline.
Comment: This sequence change replaces asparagine with serine at codon 3222 of the ALMS1 protein (p.Asn3222Ser). The asparagine residue is moderately conserved and there is a small physicochemical difference between asparagine and serine. This variant is not present in population databases (gnomAD no frequency). This variant has not been reported in the literature in individuals affected with ALMS1-related conditions. ClinVar contains an entry for this variant (Variation ID: 1416236). Experimental studies and prediction algorithms are not available or were not evaluated, and the functional significance of this variant is currently unknown. In summary, the available evidence is currently insufficient to determine the role of this variant in disease. Therefore, it has been classified as a Variant of Uncertain Significance.

NM_001378454.1(ALMS1):c.9662A>G (p.Asn3221Ser)

Gene: ALMS1 (ALMS1 centrosome and basal body associated protein; plus strand). Cytogenetic location: 2p13.1.
Variant type: single nucleotide variant.
Coding change: c.9662A>G on transcript NM_001378454.1 (MANE Select); coding-DNA position 9662, A replaced by G.
Protein change: p.Asn3221Ser; replaces asparagine 3221 with serine.
Molecular consequence: missense variant.
Genome position (GRCh38, 1-based): chr2:73,519,897, A>G. VCF-style: chr2-73519897-A-G. GRCh37 (hg19) VCF-style: chr2-73747024-A-G.
Other names: c.9665A>G, p.Asn3222Ser (NM_015120.4); short protein forms N3222S, N3221S.
Identifiers: ClinVar variation 1416236 (VCV001416236.6), dbSNP rs1673639492, ClinGen allele CA347281217.
Genomic context (GRCh38, chr2:73,519,897, plus strand): 5'-TCACTCAGATAACAACAGAAAGTCCAGAAAAGACCCTATTTTCATCTGAGATTTTTATTA[A>G]TGCTGAAGATCGTGGACATGAAATTATAGAGCCTGGTAACCAGAAGCTACGCAAAGCTCC-3'
Protein context (NP_001365383.1, residues 3211-3231): KTLFSSEIFI[Asn3221Ser]AEDRGHEIIE